The following is an entry in ClinVar:

NM_177965.4(CFAP418):c.244-2A>C

Gene: CFAP418 (cilia and flagella associated protein 418; minus strand). Cytogenetic location: 8q22.1.
Variant type: single nucleotide variant.
Coding change: c.244-2A>C on transcript NM_177965.4 (MANE Select); the canonical splice acceptor site of the intron before coding-DNA position 244, A replaced by C.
Molecular consequence: splice acceptor variant.
Genome position (GRCh38, 1-based): chr8:95,260,534, T>G on the plus strand (A>C on the coding strand, the complement: CFAP418 is on the minus strand). VCF-style: chr8-95260534-T-G. GRCh37 (hg19) VCF-style: chr8-96272762-T-G.
Other names: CFAP418, IVS2AS, A-C, -2; IVS2, A-C, -2; c.244-2A>C (NM_001363260.1).
Identifiers: ClinVar variation 417787 (VCV000417787.5), dbSNP rs1060505042, ClinGen allele CA16616877.

ClinVar aggregate classification (germline): Pathogenic/Likely pathogenic. Review status: no assertion criteria provided (0 of 4 stars). 2 submissions from 2 submitters: Pathogenic (1); Likely pathogenic (1). Last evaluated 2024-05-14.

Conditions:
Retinitis pigmentosa 64 (RP64). Identifiers: MedGen C3281046, MONDO:0800359.
CFAP418-related disorder. Also called: CFAP418-related condition.

Allele frequency attached by ClinVar (database versions not stated): TOPMed below 0.00001; gnomAD 0.00001.

Submissions (2):

PreventionGenetics, part of Exact Sciences
Classification: Likely pathogenic for CFAP418-related condition. Last evaluated: 2024-05-14. Review status: no assertion criteria provided. Collection method: clinical testing. Allele origin: germline.
Comment: The CFAP418 c.244-2A>C variant is predicted to disrupt the AG splice acceptor site and interfere with normal splicing. This variant segregated with disease in the homozygous state in three siblings with retinitis pigmentosa and was heterozygous in two unaffected siblings from a single consanguineous family. A minigene splicing assay revealed this variant activates a cryptic splice acceptor site that results in a 22 bp deletion, frameshift and premature termination (Ravesh et al. 2015. PubMed ID: 25802487). This variant has not been reported in a large population database, indicating this variant is rare. Variants that disrupt the consensus splice acceptor site in CFAP418 are expected to be pathogenic. This variant is interpreted as likely pathogenic.

OMIM
Classification: Pathogenic for RETINITIS PIGMENTOSA 64. Last evaluated: 2021-07-06. Review status: no assertion criteria provided. Collection method: literature only. Allele origin: germline.

Literature cited by the submitters: PubMed 25802487 (cited by OMIM).